The following is an entry in ClinVar:

ClinVar aggregate classification (germline): Uncertain significance. Review status: criteria provided, multiple submitters, no conflicts (2 of 4 stars). 2 submissions from 2 submitters: Uncertain significance (2). Last evaluated 2024-10-22.

Conditions:
Pyruvate carboxylase deficiency. Also called: ATAXIA WITH LACTIC ACIDOSIS II; Pyruvate Carboxylase Deficiency Disease; LEIGH NECROTIZING ENCEPHALOPATHY DUE TO PYRUVATE CARBOXYLASE DEFICIENCY; LEIGH SYNDROME DUE TO PYRUVATE CARBOXYLASE DEFICIENCY; PC DEFICIENCY. Identifiers: Orphanet 3008, MedGen C0034341, MONDO:0009949, OMIM 266150.

Allele frequency attached by ClinVar (database versions not stated): gnomAD exomes below 0.00001.
gnomAD v4.1: 3 of 1,612,938 alleles (0.00019%); highest among the groups gnomAD compares: South Asian, 0.0011%; no homozygotes.

Submissions (2):

Labcorp Genetics (formerly Invitae), Labcorp
Classification: Uncertain significance for Pyruvate carboxylase deficiency. Last evaluated: 2024-10-22. Review status: criteria provided, single submitter. Criteria: Invitae Variant Classification Sherloc (09022015). Collection method: clinical testing. Allele origin: germline.
Comment: This sequence change replaces arginine, which is basic and polar, with cysteine, which is neutral and slightly polar, at codon 715 of the PC protein (p.Arg715Cys). This variant is not present in population databases (gnomAD no frequency). This variant has not been reported in the literature in individuals affected with PC-related conditions. ClinVar contains an entry for this variant (Variation ID: 877859). Invitae Evidence Modeling of protein sequence and biophysical properties (such as structural, functional, and spatial information, amino acid conservation, physicochemical variation, residue mobility, and thermodynamic stability) has been performed for this missense variant. However, the output from this modeling did not meet the statistical confidence thresholds required to predict the impact of this variant on PC protein function. In summary, the available evidence is currently insufficient to determine the role of this variant in disease. Therefore, it has been classified as a Variant of Uncertain Significance.

Illumina Laboratory Services, Illumina
Classification: Uncertain significance for Pyruvate carboxylase deficiency. Last evaluated: 2018-01-13. Review status: criteria provided, single submitter. Criteria: ICSL Variant Classification Criteria 13 December 2019. Collection method: clinical testing. Allele origin: germline.

NM_001040716.2(PC):c.2143C>T (p.Arg715Cys)

Gene: PC (pyruvate carboxylase; minus strand). Cytogenetic location: 11q13.2.
Variant type: single nucleotide variant.
Coding change: c.2143C>T on transcript NM_001040716.2 (MANE Select); coding-DNA position 2143, C replaced by T.
Protein change: p.Arg715Cys; replaces arginine 715 with cysteine.
Molecular consequence: missense variant.
Genome position (GRCh38, 1-based): chr11:66,851,120, G>A on the plus strand (C>T on the coding strand, the complement: PC is on the minus strand). VCF-style: chr11-66851120-G-A. GRCh37 (hg19) VCF-style: chr11-66618591-G-A.
Other names: c.2143C>T, p.Arg715Cys (NM_000920.4, NM_022172.3); short protein forms R715C.
Identifiers: ClinVar variation 877859 (VCV000877859.7), dbSNP rs1945464671, ClinGen allele CA381493607.